The following is an entry in ClinVar:

ClinVar aggregate classification (germline): Uncertain significance (1 of 4 stars; one submission).

Submission:

GeneDx
Classification: Uncertain significance. Last evaluated: 2024-11-22. Review status: criteria provided, single submitter. Criteria: GeneDx Variant Classification Process June 2021. Collection method: clinical testing. Allele origin: germline. Affected: yes.
Comment: Not observed at significant frequency in large population cohorts (gnomAD); In silico analysis indicates that this missense variant does not alter protein structure/function; Has not been previously published as pathogenic or benign to our knowledge

NM_000827.4(GRIA1):c.2416G>A (p.Val806Met)

Gene: GRIA1 (glutamate ionotropic receptor AMPA type subunit 1; plus strand). Cytogenetic location: 5q33.2.
Variant type: single nucleotide variant.
Coding change: c.2416G>A on transcript NM_000827.4 (MANE Select); coding-DNA position 2416, G replaced by A.
Protein change: p.Val806Met; replaces valine 806 with methionine.
Molecular consequence: missense variant. On other transcripts: non-coding transcript variant (2).
Genome position (GRCh38, 1-based): chr5:153,802,386, G>A. VCF-style: chr5-153802386-G-A. GRCh37 (hg19) VCF-style: chr5-153181946-G-A.
Other names: c.2416G>A, p.Val806Met (NM_001114183.2); c.2176G>A, p.Val726Met (NM_001258019.2); c.2131G>A, p.Val711Met (NM_001258020.2); c.2446G>A, p.Val816Met (NM_001258021.2, NM_001258022.2); c.2209G>A, p.Val737Met (NM_001258023.1, NM_001364167.2); c.2248G>A, p.Val750Met (NM_001364165.2); c.2443G>A, p.Val815Met (NM_001364166.2); short protein forms V711M, V726M, V737M, V750M, V806M, V815M, V816M.
Identifiers: ClinVar variation 3900401 (VCV003900401.1).